The following is an entry in ClinVar:

NM_000465.4(BARD1):c.187T>G (p.Leu63Val)

Gene: BARD1 (BRCA1 associated RING domain 1; minus strand). Cytogenetic location: 2q35.
Variant type: single nucleotide variant.
Coding change: c.187T>G on transcript NM_000465.4 (MANE Select); coding-DNA position 187, T replaced by G.
Protein change: p.Leu63Val; replaces leucine 63 with valine.
Molecular consequence: missense variant. On other transcripts: non-coding transcript variant (2), intron variant (2).
Genome position (GRCh38, 1-based): chr2:214,797,089, A>C on the plus strand (T>G on the coding strand, the complement: BARD1 is on the minus strand). VCF-style: chr2-214797089-A-C. GRCh37 (hg19) VCF-style: chr2-215661813-A-C.
Other names: c.187T>G, p.Leu63Val (NM_001282545.2, NM_001282549.2); c.158+12323T>G (NM_001282548.2); c.159-4644T>G (NM_001282543.2); short protein forms L63V.
Identifiers: ClinVar variation 1715670 (VCV001715670.5), dbSNP rs1695792410, ClinGen allele CA350462243.

ClinVar aggregate classification (germline): Uncertain significance (1 of 4 stars; one submission).

Conditions:
Familial cancer of breast. Also called: Hereditary breast cancer; BREAST CANCER, FAMILIAL; hereditary breast carcinoma. Identifiers: Orphanet 227535, MedGen C0346153, MONDO:0016419, OMIM 114480. Disease mechanism: loss of function.

Allele frequency attached by ClinVar (database versions not stated): gnomAD exomes below 0.00001; gnomAD 0.00001.
gnomAD v4.1: 3 of 1,613,000 alleles (0.00019%); highest among the groups gnomAD compares: Non-Finnish European, 0.00025%; no homozygotes.

Submission:

Labcorp Genetics (formerly Invitae), Labcorp
Classification: Uncertain significance for Familial cancer of breast. Last evaluated: 2023-11-07. Review status: criteria provided, single submitter. Criteria: Invitae Variant Classification Sherloc (09022015). Collection method: clinical testing. Allele origin: germline.
Comment: This sequence change replaces leucine, which is neutral and non-polar, with valine, which is neutral and non-polar, at codon 63 of the BARD1 protein (p.Leu63Val). This variant is not present in population databases (gnomAD no frequency). This variant has not been reported in the literature in individuals affected with BARD1-related conditions. ClinVar contains an entry for this variant (Variation ID: 1715670). An algorithm developed to predict the effect of missense changes on protein structure and function (PolyPhen-2) suggests that this variant is likely to be disruptive. In summary, the available evidence is currently insufficient to determine the role of this variant in disease. Therefore, it has been classified as a Variant of Uncertain Significance.